The following is an entry in ClinVar:

NM_030928.4(CDT1):c.499G>A (p.Ala167Thr)

Gene: CDT1 (chromatin licensing and DNA replication factor 1; plus strand). Cytogenetic location: 16q24.3.
Variant type: single nucleotide variant.
Coding change: c.499G>A on transcript NM_030928.4 (MANE Select); coding-DNA position 499, G replaced by A.
Protein change: p.Ala167Thr; replaces alanine 167 with threonine.
Molecular consequence: missense variant.
Genome position (GRCh38, 1-based): chr16:88,805,450, G>A. VCF-style: chr16-88805450-G-A. GRCh37 (hg19) VCF-style: chr16-88871858-G-A.
Other names: c.499G>A (NM_030928.3); short protein forms A167T.
Identifiers: ClinVar variation 2647009 (VCV002647009.25), dbSNP rs1908812514, ClinGen allele CA397074017.

ClinVar aggregate classification (germline): Uncertain significance. Review status: criteria provided, multiple submitters, no conflicts (2 of 4 stars). 2 submissions from 2 submitters: Uncertain significance (2). Last evaluated 2025-07-15.

Conditions:
Inborn genetic diseases. Identifiers: MedGen C0950123, MeSH D030342.

Allele frequency attached by ClinVar (database versions not stated): gnomAD exomes below 0.00001.
gnomAD v4.1: 1 of 1,612,660 alleles (0.000062%); highest among the groups gnomAD compares: East Asian, 0.0022%; no homozygotes.

Submissions (2):

Ambry Genetics
Classification: Uncertain significance for Inborn genetic diseases. Last evaluated: 2025-07-15. Review status: criteria provided, single submitter. Criteria: Ambry Variant Classification Scheme 2023. Collection method: clinical testing. Allele origin: germline.

CeGaT Center for Human Genetics Tuebingen
Classification: Uncertain significance. Last evaluated: 2022-10-01. Review status: criteria provided, single submitter. Criteria: CeGaT Center For Human Genetics Tuebingen Variant Classification Criteria Version 2. Collection method: clinical testing. Allele origin: germline. Affected: yes. Observed: 1 variant allele.
Comment: CDT1: PM2, BP4